The following is an entry in ClinVar:

ClinVar aggregate classification (germline): Uncertain significance (1 of 4 stars; one submission).

Conditions:
Hereditary cancer-predisposing syndrome. Also called: Neoplastic Syndromes, Hereditary; Tumor predisposition; Hereditary neoplastic syndrome; Hereditary Cancer Syndrome. Identifiers: Orphanet 140162, MedGen C0027672, MeSH D009386, MONDO:0015356.

Submission:

Ambry Genetics
Classification: Uncertain significance for Hereditary cancer-predisposing syndrome. Last evaluated: 2026-07-07. Review status: criteria provided, single submitter. Criteria: Ambry Variant Classification Scheme 2023. Collection method: clinical testing. Allele origin: germline.
Comment: The p.C107F variant (also known as c.320G>T), located in coding exon 5 of the SDHC gene, results from a G to T substitution at nucleotide position 320. The cysteine at codon 107 is replaced by phenylalanine, an amino acid with highly dissimilar properties. This amino acid position is conserved. In addition, this alteration is predicted to be tolerated by in silico analysis. Based on the available evidence, the clinical significance of this variant remains unclear.

NM_003001.5(SDHC):c.320G>T (p.Cys107Phe)

Gene: SDHC (succinate dehydrogenase complex subunit C; plus strand). Cytogenetic location: 1q23.3.
Variant type: single nucleotide variant.
Coding change: c.320G>T on transcript NM_003001.5 (MANE Select); coding-DNA position 320, G replaced by T.
Protein change: p.Cys107Phe; replaces cysteine 107 with phenylalanine.
Molecular consequence: missense variant. On other transcripts: non-coding transcript variant (1), intron variant (3).
Genome position (GRCh38, 1-based): chr1:161,356,755, G>T. VCF-style: chr1-161356755-G-T. GRCh37 (hg19) VCF-style: chr1-161326545-G-T.
Other names: c.218G>T, p.Cys73Phe (NM_001035512.3); c.161G>T, p.Cys54Phe (NM_001035513.3); c.440G>T, p.Cys147Phe (NM_001407115.1); c.263G>T, p.Cys88Phe (NM_001407116.1); c.257G>T, p.Cys86Phe (NM_001407117.1); c.212G>T, p.Cys71Phe (NM_001407118.1); c.209G>T, p.Cys70Phe (NM_001407119.1, NM_001407120.1); c.242-5574G>T (NM_001035511.3); and 2 more; short protein forms C147F, C70F, C71F, C107F, C73F, C54F, C86F, C88F.
Identifiers: ClinVar variation 5029323 (VCV005029323.1).